The following is an entry in ClinVar:

ClinVar aggregate classification (germline): Uncertain significance (1 of 4 stars; one submission).

Conditions:
Marfan syndrome (MFS). Also called: FBN1-Related Marfan Syndrome; MARFAN SYNDROME, TYPE I; Marfan syndrome type 1; Marfan's syndrome; Marfan syndrome, classic. Identifiers: Orphanet 284963, Orphanet 558, MedGen C0024796, MONDO:0007947, OMIM 154700.
Familial thoracic aortic aneurysm and aortic dissection (TAAD). Also called: Thoracic aortic aneurysms and dissections. Identifiers: Orphanet 91387, MedGen C4707243, MONDO:0019625.

Submission:

Labcorp Genetics (formerly Invitae), Labcorp
Classification: Uncertain significance for Marfan syndrome; Familial thoracic aortic aneurysm and aortic dissection. Last evaluated: 2025-11-12. Review status: criteria provided, single submitter. Criteria: Invitae Variant Classification Sherloc (09022015). Collection method: clinical testing. Allele origin: germline.
Comment: This sequence change replaces leucine, which is neutral and non-polar, with phenylalanine, which is neutral and non-polar, at codon 279 of the FBN1 protein (p.Leu279Phe). This variant is not present in population databases (gnomAD no frequency). This variant has not been reported in the literature in individuals affected with FBN1-related conditions. Invitae Evidence Modeling of protein sequence and biophysical properties (such as structural, functional, and spatial information, amino acid conservation, physicochemical variation, residue mobility, and thermodynamic stability) indicates that this missense variant is not expected to disrupt FBN1 protein function with a negative predictive value of 95%. In summary, the available evidence is currently insufficient to determine the role of this variant in disease. Therefore, it has been classified as a Variant of Uncertain Significance.

NM_000138.5(FBN1):c.835C>T (p.Leu279Phe)

Gene: FBN1 (fibrillin 1; minus strand). Cytogenetic location: 15q21.1.
Variant type: single nucleotide variant.
Coding change: c.835C>T on transcript NM_000138.5 (MANE Select); coding-DNA position 835, C replaced by T.
Protein change: p.Leu279Phe; replaces leucine 279 with phenylalanine.
Molecular consequence: missense variant.
Genome position (GRCh38, 1-based): chr15:48,534,107, G>A on the plus strand (C>T on the coding strand, the complement: FBN1 is on the minus strand). VCF-style: chr15-48534107-G-A. GRCh37 (hg19) VCF-style: chr15-48826304-G-A.
Other names: c.835C>T, p.Leu279Phe (NM_001406716.1, NM_001406717.1); short protein forms L279F.
Identifiers: ClinVar variation 4782936 (VCV004782936.1).